The following is an entry in ClinVar:

ClinVar aggregate classification (germline): Uncertain significance. Review status: criteria provided, multiple submitters, no conflicts (2 of 4 stars). 2 submissions from 2 submitters: Uncertain significance (2). Last evaluated 2024-02-24.

Conditions:
Hereditary cancer-predisposing syndrome. Also called: Tumor predisposition; Hereditary neoplastic syndrome; Neoplastic Syndromes, Hereditary; Hereditary Cancer Syndrome. Identifiers: Orphanet 140162, MedGen C0027672, MeSH D009386, MONDO:0015356.

gnomAD v4.1: 4 of 1,607,788 alleles (0.00025%); highest among the groups gnomAD compares: South Asian, 0.0045%; no homozygotes.

Submissions (2):

Labcorp Genetics (formerly Invitae), Labcorp
Classification: Uncertain significance for Hereditary cancer-predisposing syndrome. Last evaluated: 2024-02-24. Review status: criteria provided, single submitter. Criteria: Invitae Variant Classification Sherloc (09022015). Collection method: clinical testing. Allele origin: germline.
Comment: This sequence change replaces lysine, which is basic and polar, with threonine, which is neutral and polar, at codon 71 of the RAD50 protein (p.Lys71Thr). This variant is not present in population databases (gnomAD no frequency). This variant has not been reported in the literature in individuals affected with RAD50-related conditions. ClinVar contains an entry for this variant (Variation ID: 1009981). An algorithm developed to predict the effect of missense changes on protein structure and function (PolyPhen-2) suggests that this variant is likely to be disruptive. In summary, the available evidence is currently insufficient to determine the role of this variant in disease. Therefore, it has been classified as a Variant of Uncertain Significance.

Ambry Genetics
Classification: Uncertain significance for Hereditary cancer-predisposing syndrome. Last evaluated: 2023-12-01. Review status: criteria provided, single submitter. Criteria: Ambry Variant Classification Scheme 2023. Collection method: clinical testing. Allele origin: germline.
Comment: The p.K71T variant (also known as c.212A>C), located in coding exon 2 of the RAD50 gene, results from an A to C substitution at nucleotide position 212. The lysine at codon 71 is replaced by threonine, an amino acid with similar properties. This amino acid position is conserved. In addition, this alteration is predicted to be tolerated by in silico analysis. Since supporting evidence is limited at this time, the clinical significance of this alteration remains unclear.

NM_005732.4(RAD50):c.212A>C (p.Lys71Thr)

Gene: RAD50 (RAD50 double strand break repair protein; plus strand). Cytogenetic location: 5q31.1.
Variant type: single nucleotide variant.
Coding change: c.212A>C on transcript NM_005732.4 (MANE Select); coding-DNA position 212, A replaced by C.
Protein change: p.Lys71Thr; replaces lysine 71 with threonine.
Molecular consequence: missense variant.
Genome position (GRCh38, 1-based): chr5:132,559,366, A>C. VCF-style: chr5-132559366-A-C. GRCh37 (hg19) VCF-style: chr5-131895058-A-C.
Other names: c.212A>C (NM_005732.3); short protein forms K71T.
Identifiers: ClinVar variation 1009981 (VCV001009981.10), dbSNP rs1060501940, ClinGen allele CA360953858.